The following is an entry in ClinVar:

ClinVar aggregate classification (germline): Benign. Review status: criteria provided, single submitter (1 of 4 stars). 2 submissions from 2 submitters: Benign (1). 1 of the submissions does not count toward it. Last evaluated 2026-01-29.

Conditions:
CNOT1-related disorder. Also called: CNOT1-related condition.

Allele frequency attached by ClinVar (database versions not stated): gnomAD exomes 0.00029; gnomAD 0.00074; 1000 Genomes Project 30x 0.00468; 1000 Genomes Project 0.00499; TOPMed 0.00075; ExAC 0.00173.
gnomAD v4.1: 555 of 1,614,160 alleles (0.034%); highest among the groups gnomAD compares: East Asian, 1.1%; 4 homozygotes.

Submissions (2):

Labcorp Genetics (formerly Invitae), Labcorp
Classification: Benign. Last evaluated: 2026-01-29. Review status: criteria provided, single submitter. Criteria: Invitae Variant Classification Sherloc (09022015). Collection method: clinical testing. Allele origin: germline.

PreventionGenetics, part of Exact Sciences
Classification: Benign for CNOT1-related condition. Last evaluated: 2019-04-16. Review status: no assertion criteria provided. Collection method: clinical testing. Allele origin: germline. Not counted in ClinVar's aggregate classification.
Comment: This variant is classified as benign based on ACMG/AMP sequence variant interpretation guidelines (Richards et al. 2015 PMID: 25741868, with internal and published modifications).

NM_016284.5(CNOT1):c.4857G>A (p.Leu1619=)

Gene: CNOT1 (CCR4-NOT transcription complex subunit 1; minus strand). Cytogenetic location: 16q21.
Variant type: single nucleotide variant.
Coding change: c.4857G>A on transcript NM_016284.5 (MANE Select); coding-DNA position 4857, G replaced by A.
Protein change: p.Leu1619=; no amino-acid change (leucine 1619 retained).
Molecular consequence: synonymous variant. On other transcripts: non-coding transcript variant (1).
Genome position (GRCh38, 1-based): chr16:58,539,903, C>T on the plus strand (G>A on the coding strand, the complement: CNOT1 is on the minus strand). VCF-style: chr16-58539903-C-T. GRCh37 (hg19) VCF-style: chr16-58573807-C-T.
Other names: c.4842G>A, p.Leu1614= (NM_001265612.2); c.4857G>A (NM_016284.4).
Identifiers: ClinVar variation 2060102 (VCV002060102.6), dbSNP rs141238615, ClinGen allele CA8088992.